The following is an entry in ClinVar:

ClinVar aggregate classification (germline): Benign. Review status: criteria provided, multiple submitters, no conflicts (2 of 4 stars). 2 submissions from 2 submitters: Benign (2). Last evaluated 2018-01-12.

Conditions:
Pheochromocytoma. Also called: MAX-Related Hereditary Paraganglioma-Pheochromocytoma Syndrome. Identifiers: Orphanet 29072, MedGen C0031511, MONDO:0008233, OMIM 171300, HP:0002666.

Allele frequency attached by ClinVar (database versions not stated): 1000 Genomes Project 30x 0.01858; 1000 Genomes Project 0.01897; TOPMed 0.02702; gnomAD exomes 0.03062; gnomAD 0.03153 and 0.03241.
gnomAD v4.1: 11,581 of 370,658 alleles (3.1%); highest among the groups gnomAD compares: Admixed American, 4.4%; 248 homozygotes.

Submissions (2):

Illumina Laboratory Services, Illumina
Classification: Benign for Pheochromocytoma. Last evaluated: 2018-01-12. Review status: criteria provided, single submitter. Criteria: ICSL Variant Classification Criteria 13 December 2019. Collection method: clinical testing. Allele origin: germline.
Comment: This variant was observed in the ICSL laboratory as part of a predisposition screen in an ostensibly healthy population. It had not been previously curated by ICSL or reported in the Human Gene Mutation Database (HGMD: prior to June 1st, 2018), and was therefore a candidate for classification through an automated scoring system. Utilizing variant allele frequency, disease prevalence and penetrance estimates, and inheritance mode, an automated score was calculated to assess if this variant is too frequent to cause the disease. Based on the score and internal cut-off values, a variant classified as benign is not then subjected to further curation. The score for this variant resulted in a classification of benign for this disease.

Breakthrough Genomics
Classification: Benign. Review status: criteria provided, single submitter. Criteria: ACMG Guidelines, 2015. Collection method: not provided. Allele origin: germline. Inheritance: Autosomal dominant inheritance. Affected: yes.

NM_017849.4(TMEM127):c.*338G>A

Gene: TMEM127 (transmembrane protein 127; minus strand). Cytogenetic location: 2q11.2.
Variant type: single nucleotide variant.
Coding change: c.*338G>A on transcript NM_017849.4 (MANE Select); 338 bases downstream of the stop codon, G replaced by A.
Molecular consequence: 3 prime UTR variant.
Genome position (GRCh38, 1-based): chr2:96,253,470, C>T on the plus strand (G>A on the coding strand, the complement: TMEM127 is on the minus strand). VCF-style: chr2-96253470-C-T. GRCh37 (hg19) VCF-style: chr2-96919208-C-T.
Other names: c.*338G>A (NM_001193304.3).
Identifiers: ClinVar variation 337497 (VCV000337497.6), dbSNP rs13022177, ClinGen allele CA10616492.
Genomic context (GRCh38, chr2:96,253,470, plus strand): 5'-CCTCCAGGGCACAGTCCCCTTTCCCTTGGGCCCTTTGACACTTGTTTTTGGGACTGTCCG[C>T]TCTCAGCAGCTCTCCAAGGAAAGTCTCGGTCCCAAAGATATCGCCCATGCTGGAGGAAAC-3'